The following is an entry in ClinVar:

NM_001387430.1(SH2B1):c.488G>A (p.Arg163Gln)

Gene: SH2B1 (SH2B adaptor protein 1; plus strand). Cytogenetic location: 16p11.2.
Variant type: single nucleotide variant.
Coding change: c.488G>A on transcript NM_001387430.1 (MANE Select); coding-DNA position 488, G replaced by A.
Protein change: p.Arg163Gln; replaces arginine 163 with glutamine.
Molecular consequence: missense variant. On other transcripts: intron variant (1).
Genome position (GRCh38, 1-based): chr16:28,866,582, G>A. VCF-style: chr16-28866582-G-A. GRCh37 (hg19) VCF-style: chr16-28877903-G-A.
Other names: c.488G>A, p.Arg163Gln (NM_001145795.2, NM_001145796.2, NM_001145797.2 and 4 more transcripts); c.-26-792G>A (NM_001308294.2); short protein forms R163Q.
Identifiers: ClinVar variation 3048336 (VCV003048336.2), dbSNP rs1460739551, ClinGen allele CA395423362.

ClinVar aggregate classification (germline): Uncertain significance (0 of 4 stars; one submission).

Conditions:
SH2B1-related disorder. Also called: SH2B1-related condition.

Allele frequency attached by ClinVar (database versions not stated): TOPMed below 0.00001; gnomAD exomes 0.00001.

Submission:

PreventionGenetics, part of Exact Sciences
Classification: Uncertain significance for SH2B1-related condition. Last evaluated: 2024-01-08. Review status: no assertion criteria provided. Collection method: clinical testing. Allele origin: germline.
Comment: The SH2B1 c.488G>A variant is predicted to result in the amino acid substitution p.Arg163Gln. To our knowledge, this variant has not been reported in the literature. This variant is reported in 0.0018% of alleles in individuals of European (Non-Finnish) descent in gnomAD. At this time, the clinical significance of this variant is uncertain due to the absence of conclusive functional and genetic evidence.